The following is an entry in ClinVar:

NM_000257.4(MYH7):c.4106C>A (p.Ala1369Asp)

Gene: MYH7 (myosin heavy chain 7; minus strand). Cytogenetic location: 14q11.2.
Variant type: single nucleotide variant.
Coding change: c.4106C>A on transcript NM_000257.4 (MANE Select); coding-DNA position 4106, C replaced by A.
Protein change: p.Ala1369Asp; replaces alanine 1369 with aspartic acid.
Molecular consequence: missense variant.
Genome position (GRCh38, 1-based): chr14:23,418,273, G>T on the plus strand (C>A on the coding strand, the complement: MYH7 is on the minus strand). VCF-style: chr14-23418273-G-T. GRCh37 (hg19) VCF-style: chr14-23887482-G-T.
Other names: c.4106C>A, p.Ala1369Asp (NM_001407004.1); short protein forms A1369D.
Identifiers: ClinVar variation 3775546 (VCV003775546.1).

ClinVar aggregate classification (germline): Uncertain significance (1 of 4 stars; one submission).

Conditions:
Hypertrophic cardiomyopathy 1 (CMH1). Also called: Familial hypertrophic cardiomyopathy 1; MYH7-Related Familial Hypertrophic Cardiomyopathy. Identifiers: MedGen C3495498, MONDO:0008647, OMIM 192600.

Submission:

3billion
Classification: Uncertain significance for Hypertrophic cardiomyopathy 1. Last evaluated: 2023-07-12. Review status: criteria provided, single submitter. Criteria: ACMG Guidelines, 2015. Collection method: clinical testing. Allele origin: germline. Affected: yes.
Comment: The variant is not observed in the gnomAD v2.1.1 dataset. Predicted Consequence/Location: Missense variant In silico tool predictions suggest damaging effect of the variant on gene or gene product (REVEL: 0.86; 3Cnet: 0.66). Therefore, this variant is classified as VUS according to the recommendation of ACMG/AMP guideline.